The following is an entry in ClinVar:

ClinVar aggregate classification (germline): Uncertain significance. Review status: criteria provided, multiple submitters, no conflicts (2 of 4 stars). 2 submissions from 2 submitters: Uncertain significance (2). Last evaluated 2025-08-27.

Allele frequency attached by ClinVar (database versions not stated): gnomAD 0.00001; gnomAD exomes 0.00001; TOPMed 0.00005; ESP Exome Variant Server 0.00023.

Submissions (2):

Ambry Genetics
Classification: Uncertain significance. Last evaluated: 2025-08-27. Review status: criteria provided, single submitter. Criteria: Ambry Variant Classification Scheme 2023. Collection method: clinical testing. Allele origin: germline.

Labcorp Genetics (formerly Invitae), Labcorp
Classification: Uncertain significance. Last evaluated: 2024-10-12. Review status: criteria provided, single submitter. Criteria: Invitae Variant Classification Sherloc (09022015). Collection method: clinical testing. Allele origin: germline.
Comment: This sequence change replaces alanine, which is neutral and non-polar, with threonine, which is neutral and polar, at codon 492 of the POLD2 protein (p.Ala492Thr). This variant is not present in population databases (gnomAD no frequency). This variant has not been reported in the literature in individuals affected with POLD2-related conditions. ClinVar contains an entry for this variant (Variation ID: 2593282). Experimental studies and prediction algorithms are not available or were not evaluated, and the functional significance of this variant is currently unknown. In summary, the available evidence is currently insufficient to determine the role of this variant in disease. Therefore, it has been classified as a Variant of Uncertain Significance.

NM_006230.4(POLD2):c.1369G>A (p.Ala457Thr)

Gene: POLD2 (DNA polymerase delta 2, accessory subunit; minus strand). Cytogenetic location: 7p13.
Variant type: single nucleotide variant.
Coding change: c.1369G>A on transcript NM_006230.4 (MANE Select); coding-DNA position 1369, G replaced by A.
Protein change: p.Ala457Thr; replaces alanine 457 with threonine.
Molecular consequence: missense variant.
Genome position (GRCh38, 1-based): chr7:44,114,826, C>T on the plus strand (G>A on the coding strand, the complement: POLD2 is on the minus strand). VCF-style: chr7-44114826-C-T. GRCh37 (hg19) VCF-style: chr7-44154425-C-T.
Other names: c.1369G>A, p.Ala457Thr (NM_001127218.3, NM_001256879.2); short protein forms A457T.
Identifiers: ClinVar variation 2593282 (VCV002593282.5), dbSNP rs369784008, ClinGen allele CA4238536.